The following is an entry in ClinVar:

ClinVar aggregate classification (germline): Uncertain significance (1 of 4 stars; one submission).

Conditions:
Hereditary spastic paraplegia 8 (SPG8). Also called: SPASTIC PARAPLEGIA 8, AUTOSOMAL DOMINANT. Identifiers: Orphanet 100989, MedGen C1863704, MONDO:0011339, OMIM 603563.
Ritscher-Schinzel syndrome. Also called: CRANIOCEREBELLOCARDIAC DYSPLASIA. Identifiers: Orphanet 7, MedGen C0796137, MONDO:0019078.

Allele frequency attached by ClinVar (database versions not stated): gnomAD 0.00004; TOPMed 0.00007.

Submission:

Labcorp Genetics (formerly Invitae), Labcorp
Classification: Uncertain significance for Ritscher-Schinzel syndrome; Hereditary spastic paraplegia 8. Last evaluated: 2020-02-28. Review status: criteria provided, single submitter. Criteria: Invitae Variant Classification Sherloc (09022015). Collection method: clinical testing. Allele origin: germline.
Comment: Algorithms developed to predict the effect of sequence changes on RNA splicing suggest that this variant may create or strengthen a splice site, but this prediction has not been confirmed by published transcriptional studies. This sequence change replaces glycine with arginine at codon 147 of the WASHC5 protein (p.Gly147Arg). The glycine residue is highly conserved and there is a moderate physicochemical difference between glycine and arginine. This variant is not present in population databases (ExAC no frequency). This variant has not been reported in the literature in individuals with WASHC5-related conditions. Algorithms developed to predict the effect of missense changes on protein structure and function are either unavailable or do not agree on the potential impact of this missense change (SIFT: "Deleterious"; PolyPhen-2: "Probably Damaging"; Align-GVGD: "Class C0"). In summary, the available evidence is currently insufficient to determine the role of this variant in disease. Therefore, it has been classified as a Variant of Uncertain Significance.

NM_014846.4(WASHC5):c.439G>A (p.Gly147Arg)

Gene: WASHC5 (WASH complex subunit 5; minus strand). Cytogenetic location: 8q24.13.
Variant type: single nucleotide variant.
Coding change: c.439G>A on transcript NM_014846.4 (MANE Select); coding-DNA position 439, G replaced by A.
Protein change: p.Gly147Arg; replaces glycine 147 with arginine.
Molecular consequence: missense variant. On other transcripts: 5 prime UTR variant (1).
Genome position (GRCh38, 1-based): chr8:125,081,740, C>T on the plus strand (G>A on the coding strand, the complement: WASHC5 is on the minus strand). VCF-style: chr8-125081740-C-T. GRCh37 (hg19) VCF-style: chr8-126093982-C-T.
Other names: c.-6G>A (NM_001330609.2); short protein forms G147R.
Identifiers: ClinVar variation 1051418 (VCV001051418.9), dbSNP rs979115163, ClinGen allele CA185466703.